The following is an entry in ClinVar:

ClinVar aggregate classification (germline): Uncertain significance (1 of 4 stars; one submission).

Submission:

GeneDx
Classification: Uncertain significance. Last evaluated: 2023-11-27. Review status: criteria provided, single submitter. Criteria: GeneDx Variant Classification Process June 2021. Collection method: clinical testing. Allele origin: germline. Affected: yes.
Comment: Not observed at significant frequency in large population cohorts (gnomAD); In silico analysis supports that this missense variant has a deleterious effect on protein structure/function; Has not been previously published as pathogenic or benign to our knowledge

NM_001378183.1(PIEZO2):c.8521G>A (p.Asp2841Asn)

Gene: PIEZO2 (piezo type mechanosensitive ion channel component 2; minus strand). Cytogenetic location: 18p11.22.
Variant type: single nucleotide variant.
Coding change: c.8521G>A on transcript NM_001378183.1 (MANE Select); coding-DNA position 8521, G replaced by A.
Protein change: p.Asp2841Asn; replaces aspartic acid 2841 with asparagine.
Molecular consequence: missense variant.
Genome position (GRCh38, 1-based): chr18:10,671,604, C>T on the plus strand (G>A on the coding strand, the complement: PIEZO2 is on the minus strand). VCF-style: chr18-10671604-C-T. GRCh37 (hg19) VCF-style: chr18-10671601-C-T.
Other names: c.8257G>A, p.Asp2753Asn (NM_001410871.1); c.8182G>A, p.Asp2728Asn (NM_022068.4); short protein forms D2728N, D2753N, D2841N.
Identifiers: ClinVar variation 3364591 (VCV003364591.1).